The following is an entry in ClinVar:

ClinVar aggregate classification (germline): Benign/Likely benign. Review status: criteria provided, multiple submitters, no conflicts (2 of 4 stars). 4 submissions from 4 submitters: Benign (3); Likely benign (1). Last evaluated 2026-02-04.

Allele frequency attached by ClinVar (database versions not stated): ExAC 0.68006; gnomAD exomes 0.69275; 1000 Genomes Project 0.69329; 1000 Genomes Project 30x 0.69925; gnomAD 0.71925; TOPMed 0.72431; ESP Exome Variant Server 0.72643.
gnomAD v4.1: 1,121,594 of 1,613,782 alleles (70%); highest among the groups gnomAD compares: African/African-American, 81%; 391,551 homozygotes.

Submissions (4):

Labcorp Genetics (formerly Invitae), Labcorp
Classification: Benign. Last evaluated: 2026-02-04. Review status: criteria provided, single submitter. Criteria: Invitae Variant Classification Sherloc (09022015). Collection method: clinical testing. Allele origin: germline.

Blueprint Genetics
Classification: Likely benign. Last evaluated: 2024-11-26. Review status: criteria provided, single submitter. Criteria: ACMG Guidelines, 2015. Collection method: clinical testing. Allele origin: germline.

Unidad de Genómica Garrahan, Hospital de Pediatría Garrahan
Classification: Benign. Last evaluated: 2024-01-24. Review status: criteria provided, single submitter. Criteria: ACMG Guidelines, 2015. Collection method: clinical testing. Allele origin: germline. Affected: no. Observed: 85 variant alleles.
Comment: This variant is classified as Benign based on local population frequency. This variant was detected in 89% of patients studied by a panel of primary immunodeficiencies. Number of patients: 85. Only high quality variants are reported.

Mayo Clinic Laboratories, Mayo Clinic
Classification: Benign. Last evaluated: 2022-09-06. Review status: criteria provided, single submitter. Criteria: ACMG Guidelines, 2015. Collection method: clinical testing. Allele origin: germline. Observed: 4 variant alleles.

NM_016216.4(DBR1):c.1101A>T (p.Thr367=)

Gene: DBR1 (debranching RNA lariats 1; minus strand). Cytogenetic location: 3q22.3.
Variant type: single nucleotide variant.
Coding change: c.1101A>T on transcript NM_016216.4 (MANE Select); coding-DNA position 1101, A replaced by T.
Protein change: p.Thr367=; no amino-acid change (threonine 367 retained).
Molecular consequence: synonymous variant.
Genome position (GRCh38, 1-based): chr3:138,162,423, T>A on the plus strand (A>T on the coding strand, the complement: DBR1 is on the minus strand). VCF-style: chr3-138162423-T-A. GRCh37 (hg19) VCF-style: chr3-137881265-T-A.
Other names: p.Thr367=.
Identifiers: ClinVar variation 2115210 (VCV002115210.8), dbSNP rs3732839, ClinGen allele CA2635714.